The following is an entry in ClinVar:

ClinVar aggregate classification (germline): Pathogenic/Likely pathogenic. Review status: criteria provided, multiple submitters, no conflicts (2 of 4 stars). 2 submissions from 2 submitters: Pathogenic (1); Likely pathogenic (1). Last evaluated 2023-05-09.

Conditions:
Familial hemophagocytic lymphohistiocytosis 3 (FHL3). Also called: UNC13D-Related Familial Hemophagocytic Lymphohistiocytosis (UNC13D-fHLH). Identifiers: Orphanet 540, MedGen C1837174, MONDO:0012146, OMIM 608898.
UNC13D-related disorder. Also called: UNC13D-related condition.

Submissions (2):

Blueprint Genetics
Classification: Likely pathogenic for UNC13D-related disorders. Last evaluated: 2023-05-09. Review status: criteria provided, single submitter. Criteria: ACMG Guidelines, 2015. Collection method: clinical testing. Allele origin: germline. Affected: yes. Observed: 2 variant alleles.

Labcorp Genetics (formerly Invitae), Labcorp
Classification: Pathogenic for Familial hemophagocytic lymphohistiocytosis 3. Last evaluated: 2023-01-06. Review status: criteria provided, single submitter. Criteria: Invitae Variant Classification Sherloc (09022015). Collection method: clinical testing. Allele origin: germline.
Comment: This sequence change creates a premature translational stop signal (p.Leu54Cysfs*22) in the UNC13D gene. It is expected to result in an absent or disrupted protein product. Loss-of-function variants in UNC13D are known to be pathogenic (PMID: 14622600). This variant is present in population databases (no rsID available, gnomAD 0.007%). This variant has not been reported in the literature in individuals affected with UNC13D-related conditions. For these reasons, this variant has been classified as Pathogenic.

Literature cited by the submitters: PubMed 14622600 (cited by Labcorp Genetics (formerly Invitae), Labcorp).

NM_199242.3(UNC13D):c.160del (p.Leu54fs)

Gene: UNC13D (unc-13 homolog D; minus strand). Cytogenetic location: 17q25.1.
Variant type: Deletion.
Coding change: c.160del on transcript NM_199242.3 (MANE Select); coding-DNA position 160, one base deleted (C; older notation c.160delC).
Protein change: p.Leu54fs; shifts the reading frame from leucine 54.
Molecular consequence: frameshift variant.
Genome position (GRCh38, 1-based): chr17:75,843,260, G deleted on the plus strand (C on the coding strand, the reverse complement: UNC13D is on the minus strand); the first of 3 consecutive G bases (chr17:75,843,260-75,843,262); deleting any one gives the same sequence. VCF-style (leftmost placement, unchanged base first): chr17-75843259-AG-A. GRCh37 (hg19) VCF-style: chr17-73839340-AG-A.
Other names: short protein forms L54fs.
Identifiers: ClinVar variation 2853904 (VCV002853904.4), dbSNP rs1363960054, ClinGen allele CA627596929.
Genomic context (GRCh38, chr17:75,843,259, plus strand): 5'-TGGTTGGGCTCAGGATGACCCAGGCGGTGCAAGACAGTGTAGAGTGCGTCCTCGTAGAGC[AG>A]GGCCCGCTAAGACACACGGGGTCACCTTGGGGACCCCACCAGCCACCCCTGGCACCAACA-3'